The following is an entry in ClinVar:

ClinVar aggregate classification (germline): Uncertain significance (1 of 4 stars; one submission).

Conditions:
Inborn genetic diseases. Identifiers: MedGen C0950123, MeSH D030342.

Submission:

Ambry Genetics
Classification: Uncertain significance for Inborn genetic diseases. Last evaluated: 2024-11-21. Review status: criteria provided, single submitter. Criteria: Ambry Variant Classification Scheme 2023. Collection method: clinical testing. Allele origin: germline.
Comment: The p.K197N variant (also known as c.591G>C), located in coding exon 7 of the DDX41 gene, results from a G to C substitution at nucleotide position 591. The lysine at codon 197 is replaced by asparagine, an amino acid with similar properties. This amino acid position is conserved. In addition, this alteration is predicted to be tolerated by in silico analysis. Based on the available evidence, the clinical significance of this variant remains unclear.

NM_016222.4(DDX41):c.591G>C (p.Lys197Asn)

Gene: DDX41 (DEAD-box helicase 41; minus strand). Cytogenetic location: 5q35.3.
Variant type: single nucleotide variant.
Coding change: c.591G>C on transcript NM_016222.4 (MANE Select); coding-DNA position 591, G replaced by C.
Protein change: p.Lys197Asn; replaces lysine 197 with asparagine.
Molecular consequence: missense variant.
Genome position (GRCh38, 1-based): chr5:177,515,239, C>G on the plus strand (G>C on the coding strand, the complement: DDX41 is on the minus strand). VCF-style: chr5-177515239-C-G. GRCh37 (hg19) VCF-style: chr5-176942240-C-G.
Other names: c.213G>C, p.Lys71Asn (NM_001321732.2, NM_001321830.2); short protein forms K197N, K71N.
Identifiers: ClinVar variation 3500512 (VCV003500512.1).